The following is an entry in ClinVar:

ClinVar aggregate classification (germline): Uncertain significance (1 of 4 stars; one submission).

Conditions:
Capillary malformation-arteriovenous malformation syndrome. Also called: Capillary malformation-arteriovenous malformation. Identifiers: Orphanet 137667, MedGen C1842180, MONDO:0012016.

gnomAD v4.1: 3 of 1,611,478 alleles (0.00019%); highest among the groups gnomAD compares: South Asian, 0.0011%; no homozygotes.

Submission:

Labcorp Genetics (formerly Invitae), Labcorp
Classification: Uncertain significance for Capillary malformation-arteriovenous malformation syndrome. Last evaluated: 2025-12-03. Review status: criteria provided, single submitter. Criteria: Invitae Variant Classification Sherloc (09022015). Collection method: clinical testing. Allele origin: germline.
Comment: This sequence change falls in intron 17 of the RASA1 gene. It does not directly change the encoded amino acid sequence of the RASA1 protein. It affects a nucleotide within the consensus splice site. This variant is present in population databases (no rsID available, gnomAD 0.003%). This variant has not been reported in the literature in individuals affected with RASA1-related conditions. Variants that disrupt the consensus splice site are a relatively common cause of aberrant splicing (PMID: 17576681, 9536098). Algorithms developed to predict the effect of sequence changes on RNA splicing suggest that this variant is not likely to affect RNA splicing. In summary, the available evidence is currently insufficient to determine the role of this variant in disease. Therefore, it has been classified as a Variant of Uncertain Significance.

Literature cited by the submitters: PubMed 17576681; PubMed 9536098.

NM_002890.3(RASA1):c.2344+6G>A

Genes: CCNH (cyclin H; minus strand), RASA1 (RAS p21 protein activator 1; plus strand). Cytogenetic location: 5q14.3.
Variant type: single nucleotide variant.
Coding change: c.2344+6G>A on transcript NM_002890.3 (MANE Select); 6 bases into the intron after coding-DNA position 2344, G replaced by A.
Molecular consequence: intron variant.
Genome position (GRCh38, 1-based): chr5:87,377,046, G>A. VCF-style: chr5-87377046-G-A. GRCh37 (hg19) VCF-style: chr5-86672863-G-A.
Other names: c.1813+6G>A (NM_022650.3); c.933+17998C>T (NM_001364075.2).
Identifiers: ClinVar variation 4751111 (VCV004751111.1).